The following is an entry in ClinVar:

NM_000257.4(MYH7):c.4378T>C (p.Tyr1460His)

Genes: MHRT (myosin heavy chain associated RNA transcript; plus strand), MYH7 (myosin heavy chain 7; minus strand). Cytogenetic location: 14q11.2.
Variant type: single nucleotide variant.
Coding change: c.4378T>C on transcript NM_000257.4 (MANE Select); coding-DNA position 4378, T replaced by C.
Protein change: p.Tyr1460His; replaces tyrosine 1460 with histidine.
Molecular consequence: missense variant. On other transcripts: non-coding transcript variant (1).
Genome position (GRCh38, 1-based): chr14:23,417,294, A>G on the plus strand (T>C on the coding strand, the complement: MYH7 is on the minus strand). VCF-style: chr14-23417294-A-G. GRCh37 (hg19) VCF-style: chr14-23886503-A-G.
Other names: c.4378T>C, p.Tyr1460His (NM_001407004.1); short protein forms Y1460H.
Identifiers: ClinVar variation 3387301 (VCV003387301.2).
Genomic context (GRCh38, chr14:23,417,294, plus strand): 5'-CTGTGCTGAGGGAGCGAGCCTCCTTCTGCGAGGACTCCAGCTCCGACTGCGACTCCTCAT[A>G]CTTCTGCTTCCACTCGGCCAGGATCTGCCCGGGGACAAGGCTCACTCTTCAGCCCCCCAG-3'
Protein context (NP_000248.2, residues 1450-1470): DKILAEWKQK[Tyr1460His]EESQSELESS

ClinVar aggregate classification (germline): Uncertain significance. Review status: criteria provided, multiple submitters, no conflicts (2 of 4 stars). 2 submissions from 2 submitters: Uncertain significance (2). Last evaluated 2025-07-29.

Conditions:
Hypertrophic cardiomyopathy. Also called: HYPERTROPHIC MYOCARDIOPATHY. Identifiers: Orphanet 217569, MedGen C0007194, MeSH D002312, MONDO:0005045, HP:0001639.
Cardiomyopathy (CMYO). Also called: Cardiomyopathies. Identifiers: Orphanet 167848, MedGen C0878544, MONDO:0004994, HP:0001638. Inheritance: Various modes of inheritance.

Submissions (2):

Labcorp Genetics (formerly Invitae), Labcorp
Classification: Uncertain significance for Hypertrophic cardiomyopathy. Last evaluated: 2025-07-29. Review status: criteria provided, single submitter. Criteria: Invitae Variant Classification Sherloc (09022015). Collection method: clinical testing. Allele origin: germline.
Comment: This sequence change replaces tyrosine, which is neutral and polar, with histidine, which is basic and polar, at codon 1460 of the MYH7 protein (p.Tyr1460His). This variant is not present in population databases (gnomAD no frequency). This variant has not been reported in the literature in individuals affected with MYH7-related conditions. ClinVar contains an entry for this variant (Variation ID: 3387301). Invitae Evidence Modeling of protein sequence and biophysical properties (such as structural, functional, and spatial information, amino acid conservation, physicochemical variation, residue mobility, and thermodynamic stability) has been performed for this missense variant. However, the output from this modeling did not meet the statistical confidence thresholds required to predict the impact of this variant on MYH7 protein function. In summary, the available evidence is currently insufficient to determine the role of this variant in disease. Therefore, it has been classified as a Variant of Uncertain Significance.

All of Us Research Program, National Institutes of Health
Classification: Uncertain significance for Cardiomyopathy. Last evaluated: 2024-04-25. Review status: criteria provided, single submitter. Criteria: ACMG Guidelines, 2015. Collection method: clinical testing. Allele origin: germline. Inheritance: Autosomal dominant inheritance. Observed: 1 variant allele, 1 heterozygote.
Comment: This missense variant replaces tyrosine with histidine at codon 1460 of the MYH7 protein. Computational prediction suggests that this variant may not impact protein structure and function (internally defined REVEL score threshold <= 0.5, PMID: 27666373). To our knowledge, functional studies have not been reported for this variant. This variant has not been reported in individuals affected with MYH7-related disorders in the literature. This variant has not been identified in the general population by the Genome Aggregation Database (gnomAD). The available evidence is insufficient to determine the role of this variant in disease conclusively. Therefore, this variant is classified as a Variant of Uncertain Significance.

This study involves interpretation of variants in research participants for the purpose of population health screening. Participant phenotype was not available at the time of variant classification. Additional details can be found in publication PMID: 35346344, PMCID: PMC8962531